The following is an entry in ClinVar:

ClinVar aggregate classification (germline): Uncertain significance. Review status: criteria provided, multiple submitters, no conflicts (2 of 4 stars). 2 submissions from 2 submitters: Uncertain significance (2). Last evaluated 2025-01-03.

Conditions:
Hereditary cancer-predisposing syndrome. Also called: Neoplastic Syndromes, Hereditary; Tumor predisposition; Hereditary Cancer Syndrome; Hereditary neoplastic syndrome. Identifiers: Orphanet 140162, MedGen C0027672, MeSH D009386, MONDO:0015356.

Submissions (2):

Ambry Genetics
Classification: Uncertain significance for Hereditary cancer-predisposing syndrome. Last evaluated: 2025-01-03. Review status: criteria provided, single submitter. Criteria: Ambry Variant Classification Scheme 2023. Collection method: clinical testing. Allele origin: germline.
Comment: The p.M525R variant (also known as c.1574T>G), located in coding exon 10 of the RAD50 gene, results from a T to G substitution at nucleotide position 1574. The methionine at codon 525 is replaced by arginine, an amino acid with similar properties. This amino acid position is highly conserved in available vertebrate species. In addition, this alteration is predicted to be deleterious by in silico analysis. Since supporting evidence is limited at this time, the clinical significance of this alteration remains unclear.

Labcorp Genetics (formerly Invitae), Labcorp
Classification: Uncertain significance for Hereditary cancer-predisposing syndrome. Last evaluated: 2023-06-20. Review status: criteria provided, single submitter. Criteria: Invitae Variant Classification Sherloc (09022015). Collection method: clinical testing. Allele origin: germline.
Comment: This sequence change replaces methionine, which is neutral and non-polar, with arginine, which is basic and polar, at codon 525 of the RAD50 protein (p.Met525Arg). This variant is not present in population databases (gnomAD no frequency). This variant has not been reported in the literature in individuals affected with RAD50-related conditions. ClinVar contains an entry for this variant (Variation ID: 819563). Advanced modeling of protein sequence and biophysical properties (such as structural, functional, and spatial information, amino acid conservation, physicochemical variation, residue mobility, and thermodynamic stability) performed at Invitae indicates that this missense variant is expected to disrupt RAD50 protein function. In summary, the available evidence is currently insufficient to determine the role of this variant in disease. Therefore, it has been classified as a Variant of Uncertain Significance.

NM_005732.4(RAD50):c.1574T>G (p.Met525Arg)

Gene: RAD50 (RAD50 double strand break repair protein; plus strand). Cytogenetic location: 5q31.1.
Variant type: single nucleotide variant.
Coding change: c.1574T>G on transcript NM_005732.4 (MANE Select); coding-DNA position 1574, T replaced by G.
Protein change: p.Met525Arg; replaces methionine 525 with arginine.
Molecular consequence: missense variant.
Genome position (GRCh38, 1-based): chr5:132,591,345, T>G. VCF-style: chr5-132591345-T-G. GRCh37 (hg19) VCF-style: chr5-131927037-T-G.
Other names: short protein forms M525R.
Identifiers: ClinVar variation 819563 (VCV000819563.8), dbSNP rs1580994436, ClinGen allele CA360945970.
Genomic context (GRCh38, chr5:132,591,345, plus strand): 5'-TAAGTCTCCAAAATGAAAAAGCAGACTTAGACAGGACCCTGCGTAAACTTGACCAGGAGA[T>G]GGAGCAGTTAAACCATCATACAACAACACGTACCCAAATGGAGATGCTGACCAAAGACAA-3'
Protein context (NP_005723.2, residues 515-535): DRTLRKLDQE[Met525Arg]EQLNHHTTTR